The following is an entry in ClinVar:

NM_182931.3(KMT2E):c.1474_1478dup (p.Lys494fs)

Gene: KMT2E (lysine methyltransferase 2E (inactive); plus strand). Cytogenetic location: 7q22.3.
Variant type: Duplication.
Coding change: c.1474_1478dup on transcript NM_182931.3 (MANE Select); coding-DNA positions 1474 to 1478, 5 bases duplicated (GGAAA; older notation c.1474_1478dupGGAAA).
Protein change: p.Lys494fs; shifts the reading frame from lysine 494.
Molecular consequence: frameshift variant.
Genome position (GRCh38, 1-based): chr7:105,090,124-105,090,128, GGAAA duplicated; duplicating any 5 consecutive bases within chr7:105,090,121-105,090,128 gives the same sequence; the c. name uses the placement nearest the transcript's 3' end. VCF-style (leftmost placement, unchanged base first): chr7-105090120-A-AAAAGG. GRCh37 (hg19) VCF-style: chr7-104730567-A-AAAAGG.
Other names: c.1474_1478dup, p.Lys494Glufs (NM_001410908.1); c.1474_1478dup, p.Lys494fs (NM_018682.4); short protein forms K494fs.
Identifiers: ClinVar variation 1806295 (VCV001806295.2), dbSNP rs2536462095, ClinGen allele CA923726117.

ClinVar aggregate classification (germline): Pathogenic (1 of 4 stars; one submission).

Conditions:
O'Donnell-Luria-Rodan syndrome (ODLURO). Also called: KMT2E-Related Neurodevelopmental Disorder. Identifiers: MedGen C5193138, MONDO:0032793, OMIM 618512.

Submission:

Victorian Clinical Genetics Services, Murdoch Childrens Research Institute
Classification: Pathogenic for O'Donnell-Luria-Rodan syndrome. Last evaluated: 2022-02-02. Review status: criteria provided, single submitter. Criteria: ACMG Guidelines, 2015. Collection method: clinical testing. Allele origin: germline. Inheritance: Autosomal dominant inheritance.
Comment: Based on the classification scheme VCGS_Germline_v1.3.4, this variant is classified as Pathogenic. Following criteria are met: 0102 - Loss of function is a known mechanism of disease in this gene and is associated with O'Donnell-Luria-Rodan syndrome (MIM#618512). (I) 0107 - This gene is associated with autosomal dominant disease. (I) 0201 - Variant is predicted to cause nonsense-mediated decay (NMD) and loss of protein (premature termination codon is located at least 54 nucleotides upstream of the final exon-exon junction). (SP) 0251 - This variant is heterozygous. (I) 0301 - Variant is absent from gnomAD (both v2 and v3). (SP) 0701 - Other NMD-predicted variants comparable to the one identified in this case have very strong previous evidence for pathogenicity. These variants have been reported many times as pathogenic and de novo, and were reported in individuals with O'Donnell-Luria-Rodan syndrome. Rarely, these variants were inherited (DECIPHER, PMID: 31079897). (SP) 0807 - This variant has no previous evidence of pathogenicity. (I) 0905 - No published segregation evidence has been identified for this variant. (I) 1007 - No published functional evidence has been identified for this variant. (I) Legend: (SP) - Supporting pathogenic, (I) - Information, (SB) - Supporting benign

Literature cited by the submitters: PubMed 31079897.